The following is an entry in ClinVar:

ClinVar aggregate classification (germline): Benign/Likely benign. Review status: criteria provided, multiple submitters, no conflicts (2 of 4 stars). 5 submissions from 5 submitters: Benign (3); Likely benign (1). 1 of the submissions does not count toward it. Last evaluated 2026-02-02.

Conditions:
LTBP4-related disorder. Also called: LTBP4-related condition.
Cutis laxa with severe pulmonary, gastrointestinal and urinary anomalies. Also called: Cutis laxa, autosomal recessive, type IC; URBAN-RIFKIN-DAVIS SYNDROME; LTBP4-Related Cutis Laxa. Identifiers: Orphanet 221145, MedGen C2750804, MONDO:0013170, OMIM 613177. Disease mechanism: loss of function.

Allele frequency attached by ClinVar (database versions not stated): gnomAD exomes 0.00023 and 0.00064; ExAC 0.00124; ESP Exome Variant Server 0.00223; 1000 Genomes Project 0.00260; gnomAD 0.00263 and 0.00282; 1000 Genomes Project 30x 0.00265; TOPMed 0.00294.
gnomAD v4.1: 748 of 1,606,574 alleles (0.047%); highest among the groups gnomAD compares: African/African-American, 0.87%; 7 homozygotes.

Submissions (5):

Labcorp Genetics (formerly Invitae), Labcorp
Classification: Benign. Last evaluated: 2026-02-02. Review status: criteria provided, single submitter. Criteria: Invitae Variant Classification Sherloc (09022015). Collection method: clinical testing. Allele origin: germline.

Blueprint Genetics
Classification: Likely benign. Last evaluated: 2024-11-25. Review status: criteria provided, single submitter. Criteria: ACMG Guidelines, 2015. Collection method: clinical testing. Allele origin: germline.

GeneDx
Classification: Benign. Last evaluated: 2020-11-24. Review status: criteria provided, single submitter. Criteria: GeneDx Variant Classification Process June 2021. Collection method: clinical testing. Allele origin: germline. Affected: yes.

Illumina Laboratory Services, Illumina
Classification: Benign for Cutis laxa with severe pulmonary, gastrointestinal and urinary anomalies. Last evaluated: 2018-01-13. Review status: criteria provided, single submitter. Criteria: ICSL Variant Classification Criteria 13 December 2019. Collection method: clinical testing. Allele origin: germline.
Comment: This variant was observed in the ICSL laboratory as part of a predisposition screen in an ostensibly healthy population. It had not been previously curated by ICSL or reported in the Human Gene Mutation Database (HGMD: prior to June 1st, 2018), and was therefore a candidate for classification through an automated scoring system. Utilizing variant allele frequency, disease prevalence and penetrance estimates, and inheritance mode, an automated score was calculated to assess if this variant is too frequent to cause the disease. Based on the score and internal cut-off values, a variant classified as benign is not then subjected to further curation. The score for this variant resulted in a classification of benign for this disease.

PreventionGenetics, part of Exact Sciences
Classification: Likely benign for LTBP4-related condition. Last evaluated: 2024-03-19. Review status: no assertion criteria provided. Collection method: clinical testing. Allele origin: germline. Not counted in ClinVar's aggregate classification.
Comment: This variant is classified as likely benign based on ACMG/AMP sequence variant interpretation guidelines (Richards et al. 2015 PMID: 25741868, with internal and published modifications).

NM_001042545.2(LTBP4):c.2451G>A (p.Glu817=)

Gene: LTBP4 (latent transforming growth factor beta binding protein 4; plus strand). Cytogenetic location: 19q13.2.
Variant type: single nucleotide variant.
Coding change: c.2451G>A on transcript NM_001042545.2 (MANE Select); coding-DNA position 2451, G replaced by A.
Protein change: p.Glu817=; no amino-acid change (glutamic acid 817 retained).
Molecular consequence: synonymous variant.
Genome position (GRCh38, 1-based): chr19:40,613,423, G>A. VCF-style: chr19-40613423-G-A. GRCh37 (hg19) VCF-style: chr19-41119329-G-A.
Other names: c.2652G>A, p.Glu884= (NM_001042544.1); c.2541G>A, p.Glu847= (NM_003573.2).
Identifiers: ClinVar variation 513106 (VCV000513106.19), dbSNP rs191216887, ClinGen allele CA9448684.
Genomic context (GRCh38, chr19:40,613,423, plus strand): 5'-GCCGGGTCCCGTGACTCCGCCCAATCTCCCGCGTACCCTAGACGTGAACGAGTGCCTGGA[G>A]GGCGATTTCTGCTTCCCTCACGGCGAGTGCCTCAACACTGACGGCTCCTTTGCCTGTACT-3'
Protein context (NP_001036010.1, residues 807-827): GPCADVNECL[Glu817=]GDFCFPHGEC